The following is an entry in ClinVar:

NM_152743.4(BRAT1):c.430+20A>G

Gene: BRAT1 (BRCA1 associated ATM activator 1; minus strand). Cytogenetic location: 7p22.3.
Variant type: single nucleotide variant.
Coding change: c.430+20A>G on transcript NM_152743.4 (MANE Select); 20 bases into the intron after coding-DNA position 430, A replaced by G.
Molecular consequence: intron variant.
Genome position (GRCh38, 1-based): chr7:2,544,889, T>C on the plus strand (A>G on the coding strand, the complement: BRAT1 is on the minus strand). VCF-style: chr7-2544889-T-C. GRCh37 (hg19) VCF-style: chr7-2584523-T-C.
Other names: c.-95-927A>G (NM_001350627.2); c.430+20A>G (NM_001350626.2).
Identifiers: ClinVar variation 1170198 (VCV001170198.13), dbSNP rs34720091, ClinGen allele CA4128216.

ClinVar aggregate classification (germline): Benign. Review status: criteria provided, multiple submitters, no conflicts (2 of 4 stars). 4 submissions from 4 submitters: Benign (4). Last evaluated 2026-02-03.

Conditions:
Neonatal-onset encephalopathy with rigidity and seizures. Also called: Lethal neonatal spasticity-epileptic encephalopathy syndrome. Identifiers: Orphanet 435845, MedGen C3281029, MONDO:0013784, OMIM 614498.

Allele frequency attached by ClinVar (database versions not stated): 1000 Genomes Project 0.06909; 1000 Genomes Project 30x 0.07167; ESP Exome Variant Server 0.10454; ExAC 0.10874; TOPMed 0.11526; gnomAD 0.12208 and 0.12399; gnomAD exomes 0.13804 and 0.15846.
gnomAD v4.1: 238,221 of 1,546,918 alleles (15%); highest among the groups gnomAD compares: Admixed American, 18%; 20,259 homozygotes.

Submissions (4):

Labcorp Genetics (formerly Invitae), Labcorp
Classification: Benign for Neonatal-onset encephalopathy with rigidity and seizures. Last evaluated: 2026-02-03. Review status: criteria provided, single submitter. Criteria: Invitae Variant Classification Sherloc (09022015). Collection method: clinical testing. Allele origin: germline.

Blueprint Genetics
Classification: Benign. Last evaluated: 2024-11-27. Review status: criteria provided, single submitter. Criteria: ACMG Guidelines, 2015. Collection method: clinical testing. Allele origin: germline.

Unidad de Genómica Garrahan, Hospital de Pediatría Garrahan
Classification: Benign. Last evaluated: 2024-07-15. Review status: criteria provided, single submitter. Criteria: ACMG Guidelines, 2015. Collection method: clinical testing. Allele origin: germline. Affected: no. Observed: 32 variant alleles.
Comment: This variant is classified as Benign based on local population frequency. This variant was detected in 34% of patients studied in a panel designed for Epileptic and Developmental Encephalopathy and Progressive Myoclonus Epilepsy. Number of patients: 32. Only high quality variants are reported.

GeneDx
Classification: Benign. Last evaluated: 2020-03-30. Review status: criteria provided, single submitter. Criteria: GeneDx Variant Classification Process June 2021. Collection method: clinical testing. Allele origin: germline. Affected: yes.